The following is an entry in ClinVar:

NM_000520.6(HEXA):c.412+1G>T

Gene: HEXA (hexosaminidase subunit alpha; minus strand). Cytogenetic location: 15q23.
Variant type: single nucleotide variant.
Coding change: c.412+1G>T on transcript NM_000520.6 (MANE Select); the canonical splice donor site of the intron after coding-DNA position 412, G replaced by T.
Molecular consequence: splice donor variant.
Genome position (GRCh38, 1-based): chr15:72,355,558, C>A on the plus strand (G>T on the coding strand, the complement: HEXA is on the minus strand). VCF-style: chr15-72355558-C-A. GRCh37 (hg19) VCF-style: chr15-72647899-C-A.
Other names: NM_000520.6:c.412+1G>T; c.445+1G>T (NM_001318825.2).
Identifiers: ClinVar variation 1693585 (VCV001693585.7), dbSNP rs2140328162, ClinGen allele CA393066579.

ClinVar aggregate classification (germline): Likely pathogenic (1 of 4 stars; one submission).

Conditions:
Tay-Sachs disease (TSD). Also called: HEXA Disorders; Hexosaminidase A Deficiency; HEXA DEFICIENCY; GM2 gangliosidosis, type 1; Hexosaminidase alpha-subunit deficiency (variant B); Sphingolipidosis, Tay-Sachs. Identifiers: Orphanet 845, MedGen C0039373, MONDO:0010100, OMIM 272800.

Submissions (3):

Labcorp Genetics (formerly Invitae), Labcorp
Classification: Likely pathogenic for Tay-Sachs disease. Last evaluated: 2024-01-16. Review status: criteria provided, single submitter. Criteria: Invitae Variant Classification Sherloc (09022015). Collection method: clinical testing. Allele origin: germline.
Comment: This sequence change affects a donor splice site in intron 3 of the HEXA gene. RNA analysis indicates that disruption of this splice site induces altered splicing and may result in an absent or disrupted protein product. This variant is not present in population databases (gnomAD no frequency). Disruption of this splice site has been observed in individual(s) with Tay-Sachs disease (PMID: 7837766). ClinVar contains an entry for this variant (Variation ID: 1693585). Studies have shown that disruption of this splice site results in skipping of exon 3 and introduces a premature termination codon (Invitae). The resulting mRNA is expected to undergo nonsense-mediated decay. In summary, the currently available evidence indicates that the variant is pathogenic, but additional data are needed to prove that conclusively. Therefore, this variant has been classified as Likely Pathogenic.

Dr. Peter K. Rogan Lab, Western University
No classification provided (evidence only). Condition: Squamous cell carcinoma of the head and neck. Review status: no classification provided. Collection method: in vitro. Allele origin: not applicable. Functional consequence: skipped exon, retained intron. Not counted in ClinVar's aggregate classification.

MutSpliceDB: a database of splice sites variants effects on splicing, NIH
No classification provided (evidence only). Review status: no classification provided. Collection method: in vivo. Allele origin: not applicable. Functional consequence: retained intron. Not counted in ClinVar's aggregate classification.

Literature cited by the submitters: PubMed 7837766 (cited by Labcorp Genetics (formerly Invitae), Labcorp).